The following is an entry in ClinVar:

NM_001184.4(ATR):c.3542G>C (p.Gly1181Ala)

Gene: ATR (ATR serine/threonine kinase; minus strand). Cytogenetic location: 3q23.
Variant type: single nucleotide variant.
Coding change: c.3542G>C on transcript NM_001184.4 (MANE Select); coding-DNA position 3542, G replaced by C.
Protein change: p.Gly1181Ala; replaces glycine 1181 with alanine.
Molecular consequence: missense variant.
Genome position (GRCh38, 1-based): chr3:142,540,943, C>G on the plus strand (G>C on the coding strand, the complement: ATR is on the minus strand). VCF-style: chr3-142540943-C-G. GRCh37 (hg19) VCF-style: chr3-142259785-C-G.
Other names: c.3350G>C, p.Gly1117Ala (NM_001354579.2); short protein forms G1117A, G1181A.
Identifiers: ClinVar variation 3463241 (VCV003463241.1).

ClinVar aggregate classification (germline): Uncertain significance (1 of 4 stars; one submission).

Conditions:
Inborn genetic diseases. Identifiers: MedGen C0950123, MeSH D030342.

Submission:

Ambry Genetics
Classification: Uncertain significance for Inborn genetic diseases. Last evaluated: 2024-10-28. Review status: criteria provided, single submitter. Criteria: Ambry Variant Classification Scheme 2023. Collection method: clinical testing. Allele origin: germline.
Comment: The p.G1181A variant (also known as c.3542G>C), located in coding exon 18 of the ATR gene, results from a G to C substitution at nucleotide position 3542. The glycine at codon 1181 is replaced by alanine, an amino acid with similar properties. This amino acid position is conserved. In addition, this alteration is predicted to be tolerated by in silico analysis. Based on the available evidence, the clinical significance of this variant remains unclear.